The following is an entry in ClinVar:

ClinVar aggregate classification (germline): Conflicting classifications of pathogenicity. Review status: criteria provided, conflicting classifications (1 of 4 stars). 6 submissions from 6 submitters: Uncertain significance (4); Likely benign (2). Last evaluated 2026-01-08.

Conditions:
HMCN1-related disorder. Also called: HMCN1-related condition.
Age related macular degeneration 1 (ARMD1). Also called: MACULOPATHY, AGE-RELATED, 1. Identifiers: MedGen C1864205, MONDO:0011285, OMIM 603075.

Allele frequency attached by ClinVar (database versions not stated): gnomAD 0.00029 and 0.00030; TOPMed 0.00029; ESP Exome Variant Server 0.00038; gnomAD exomes 0.00042 and 0.00043; ExAC 0.00051.
gnomAD v4.1: 650 of 1,613,558 alleles (0.04%); highest among the groups gnomAD compares: Admixed American, 0.06%; 1 homozygote.

Submissions (6):

Labcorp Genetics (formerly Invitae), Labcorp
Classification: Uncertain significance. Last evaluated: 2026-01-08. Review status: criteria provided, single submitter. Criteria: Invitae Variant Classification Sherloc (09022015). Collection method: clinical testing. Allele origin: germline.
Comment: This sequence change replaces arginine, which is basic and polar, with glutamine, which is neutral and polar, at codon 320 of the HMCN1 protein (p.Arg320Gln). This variant is present in population databases (rs140296295, gnomAD 0.06%), and has an allele count higher than expected for a pathogenic variant. This variant has not been reported in the literature in individuals affected with HMCN1-related conditions. ClinVar contains an entry for this variant (Variation ID: 294103). An algorithm developed to predict the effect of missense changes on protein structure and function (PolyPhen-2) suggests that this variant is likely to be disruptive. In summary, the available evidence is currently insufficient to determine the role of this variant in disease. Therefore, it has been classified as a Variant of Uncertain Significance.

PreventionGenetics, part of Exact Sciences
Classification: Likely benign for HMCN1-related condition. Last evaluated: 2025-12-15. Review status: criteria provided, single submitter. Criteria: ACMG Guidelines, 2015. Collection method: clinical testing. Allele origin: germline.
Comment: This variant is classified as likely benign based on ACMG/AMP sequence variant interpretation guidelines (Richards et al. 2015 PMID: 25741868, with internal and published modifications).

Ambry Genetics
Classification: Uncertain significance. Last evaluated: 2025-08-10. Review status: criteria provided, single submitter. Criteria: Ambry Variant Classification Scheme 2023. Collection method: clinical testing. Allele origin: germline.

CeGaT Center for Human Genetics Tuebingen
Classification: Likely benign. Last evaluated: 2024-04-01. Review status: criteria provided, single submitter. Criteria: CeGaT Center For Human Genetics Tuebingen Variant Classification Criteria Version 2. Collection method: clinical testing. Allele origin: germline. Affected: yes. Observed: 1 variant allele.
Comment: HMCN1: BS1

Genome-Nilou Lab
Classification: Uncertain significance for Age related macular degeneration 1. Last evaluated: 2023-04-11. Review status: criteria provided, single submitter. Criteria: ACMG Guidelines, 2015. Collection method: clinical testing. Allele origin: germline. Affected: no.

Illumina Laboratory Services, Illumina
Classification: Uncertain significance for Age related macular degeneration 1. Last evaluated: 2018-01-13. Review status: criteria provided, single submitter. Criteria: ICSL Variant Classification Criteria 13 December 2019. Collection method: clinical testing. Allele origin: germline.

NM_031935.3(HMCN1):c.959G>A (p.Arg320Gln)

Gene: HMCN1 (hemicentin 1; plus strand). Cytogenetic location: 1q31.1.
Variant type: single nucleotide variant.
Coding change: c.959G>A on transcript NM_031935.3 (MANE Select); coding-DNA position 959, G replaced by A.
Protein change: p.Arg320Gln; replaces arginine 320 with glutamine.
Molecular consequence: missense variant.
Genome position (GRCh38, 1-based): chr1:185,922,437, G>A. VCF-style: chr1-185922437-G-A. GRCh37 (hg19) VCF-style: chr1-185891569-G-A.
Other names: short protein forms R320Q.
Identifiers: ClinVar variation 294103 (VCV000294103.36), dbSNP rs140296295, ClinGen allele CA1290996.